The following is an entry in ClinVar:

ClinVar aggregate classification (germline): Uncertain significance (1 of 4 stars; one submission).

Conditions:
Familial thoracic aortic aneurysm and aortic dissection (TAAD). Also called: Thoracic aortic aneurysms and dissections. Identifiers: Orphanet 91387, MedGen C4707243, MONDO:0019625.

gnomAD v4.1: 2 of 1,613,956 alleles (0.00012%); highest among the groups gnomAD compares: Non-Finnish European, 0.00017%; no homozygotes.

Submission:

Color Diagnostics, LLC DBA Color Health
Classification: Uncertain significance for Familial thoracic aortic aneurysm and aortic dissection. Last evaluated: 2025-09-12. Review status: criteria provided, single submitter. Criteria: ACMG Guidelines, 2015. Collection method: clinical testing. Allele origin: germline.
Comment: This variant causes a C to G nucleotide substitution at -3 position in intron 2 of the TGFBR2 gene. To our knowledge, functional studies have not been reported for this variant nor has this variant been reported in individuals affected with TGFBR2-related disorders in the literature. This variant has not been identified in the general population by the Genome Aggregation Database (gnomAD). The available evidence is insufficient to determine the role of this variant in disease conclusively. Therefore, this variant is classified as a Variant of Uncertain Significance.

NM_003242.6(TGFBR2):c.95-3C>G

Gene: TGFBR2 (transforming growth factor beta receptor 2; plus strand). Cytogenetic location: 3p24.1.
Variant type: single nucleotide variant.
Coding change: c.95-3C>G on transcript NM_003242.6 (MANE Select); 3 bases into the intron before coding-DNA position 95, C replaced by G.
Molecular consequence: intron variant.
Genome position (GRCh38, 1-based): chr3:30,644,744, C>G. VCF-style: chr3-30644744-C-G. GRCh37 (hg19) VCF-style: chr3-30686236-C-G.
Other names: c.-11-3C>G (NM_001407129.1, NM_001407132.1, NM_001407136.1 and 3 more transcripts); c.170-3C>G (NM_001407126.1, NM_001024847.3, NM_001407139.1); c.169+21471C>G (NM_001407137.1); c.95-3C>G (NM_001407127.1, NM_001407130.1); c.95-26894C>G (NM_001407138.1); c.122-3C>G (NM_001407128.1).
Identifiers: ClinVar variation 918414 (VCV000918414.7), dbSNP rs375330013, ClinGen allele CA1139655757.
Genomic context (GRCh38, chr3:30,644,744, plus strand): 5'-GAATTCATTGGCAGGCTGCCTGGCAGTTGGATAATCATTTAATATATCTTTCTCTCTCCT[C>G]AGTTAATAACGACATGATAGTCACTGACAACAACGGTGCAGTCAAGTTTCCACAACTGTG-3'